The following is an entry in ClinVar:

NM_000018.4(ACADVL):c.604del (p.Leu202fs)

Gene: ACADVL (acyl-CoA dehydrogenase very long chain; plus strand). Cytogenetic location: 17p13.1.
Variant type: Deletion.
Coding change: c.604del on transcript NM_000018.4 (MANE Select); coding-DNA position 604, one base deleted (C; older notation c.604delC).
Protein change: p.Leu202fs; shifts the reading frame from leucine 202.
Molecular consequence: frameshift variant.
Genome position (GRCh38, 1-based): chr17:7,221,664, C deleted; the last of 2 consecutive C bases (chr17:7,221,663-7,221,664); deleting either gives the same sequence. VCF-style (leftmost placement, unchanged base first): chr17-7221662-AC-A. GRCh37 (hg19) VCF-style: chr17-7124981-AC-A.
Other names: c.538del, p.Leu180fs (NM_001033859.3); c.673del, p.Leu225fs (NM_001270447.2); c.376del, p.Leu126fs (NM_001270448.2); short protein forms L126fs, L180fs, L202fs, L225fs.
Identifiers: ClinVar variation 2680256 (VCV002680256.3), dbSNP rs757409401, ClinGen allele CA8337765.

ClinVar aggregate classification (germline): Pathogenic/Likely pathogenic. Review status: criteria provided, multiple submitters, no conflicts (2 of 4 stars). 2 submissions from 2 submitters: Pathogenic (1); Likely pathogenic (1). Last evaluated 2025-03-28.

Conditions:
Very long chain acyl-CoA dehydrogenase deficiency (ACADVLD). Also called: VLCAD Deficiency; Very Long-Chain Acyl-Coenzyme A Dehydrogenase Deficiency. Identifiers: Orphanet 26793, MedGen C3887523, MONDO:0008723, OMIM 201475.

Submissions (2):

Labcorp Genetics (formerly Invitae), Labcorp
Classification: Pathogenic for Very long chain acyl-CoA dehydrogenase deficiency. Last evaluated: 2025-03-28. Review status: criteria provided, single submitter. Criteria: Invitae Variant Classification Sherloc (09022015). Collection method: clinical testing. Allele origin: germline.
Comment: This sequence change creates a premature translational stop signal (p.Leu202Serfs*15) in the ACADVL gene. It is expected to result in an absent or disrupted protein product. Loss-of-function variants in ACADVL are known to be pathogenic (PMID: 9973285, 11590124). This variant is present in population databases (rs757409401, gnomAD 0.0009%). This variant has not been reported in the literature in individuals affected with ACADVL-related conditions. ClinVar contains an entry for this variant (Variation ID: 2680256). For these reasons, this variant has been classified as Pathogenic.

Baylor Genetics
Classification: Likely pathogenic for Very long chain acyl-CoA dehydrogenase deficiency. Last evaluated: 2022-12-27. Review status: criteria provided, single submitter. Criteria: ACMG Guidelines, 2015. Collection method: clinical testing. Allele origin: unknown.

Literature cited by the submitters: PubMed 9973285 (cited by Labcorp Genetics (formerly Invitae), Labcorp); PubMed 11590124 (cited by Labcorp Genetics (formerly Invitae), Labcorp).